The following is an entry in ClinVar:

NM_205861.3(DHDDS):c.845T>C (p.Leu282Pro)

Gene: DHDDS (dehydrodolichyl diphosphate synthase subunit; plus strand). Cytogenetic location: 1p36.11.
Variant type: single nucleotide variant.
Coding change: c.845T>C on transcript NM_205861.3 (MANE Select); coding-DNA position 845, T replaced by C.
Protein change: p.Leu282Pro; replaces leucine 282 with proline.
Molecular consequence: missense variant.
Genome position (GRCh38, 1-based): chr1:26,468,974, T>C. VCF-style: chr1-26468974-T-C. GRCh37 (hg19) VCF-style: chr1-26795465-T-C.
Other names: c.743T>C, p.Leu248Pro (NM_001243564.2); c.728T>C, p.Leu243Pro (NM_001243565.2); c.566T>C, p.Leu189Pro (NM_001319959.2); c.848T>C, p.Leu283Pro (NM_024887.4); short protein forms L283P, L189P, L282P, L243P, L248P.
Identifiers: ClinVar variation 297077 (VCV000297077.6), dbSNP rs775810457, ClinGen allele CA705471.

ClinVar aggregate classification (germline): Uncertain significance. Review status: criteria provided, multiple submitters, no conflicts (2 of 4 stars). 2 submissions from 2 submitters: Uncertain significance (2). Last evaluated 2023-10-17.

Conditions:
Retinitis pigmentosa 59 (RP59). Identifiers: Orphanet 791, MedGen C3151227, MONDO:0013468, OMIM 613861.
Retinitis pigmentosa (RP). Identifiers: Orphanet 791, MedGen C0035334, MeSH D012174, MONDO:0019200, OMIM 268000. Inheritance: Autosomal dominant, autosomal recessive and X linked inheritance.

Allele frequency attached by ClinVar (database versions not stated): gnomAD exomes below 0.00001 and 0.00001; ExAC 0.00001.
gnomAD v4.1: 14 of 1,614,034 alleles (0.00087%); highest among the groups gnomAD compares: Non-Finnish European, 0.0012%; no homozygotes.

Submissions (2):

Labcorp Genetics (formerly Invitae), Labcorp
Classification: Uncertain significance for Retinitis pigmentosa 59. Last evaluated: 2023-10-17. Review status: criteria provided, single submitter. Criteria: Invitae Variant Classification Sherloc (09022015). Collection method: clinical testing. Allele origin: germline.
Comment: This sequence change replaces leucine, which is neutral and non-polar, with proline, which is neutral and non-polar, at codon 283 of the DHDDS protein (p.Leu283Pro). This variant is present in population databases (rs775810457, gnomAD 0.0009%). This variant has not been reported in the literature in individuals affected with DHDDS-related conditions. ClinVar contains an entry for this variant (Variation ID: 297077). An algorithm developed to predict the effect of missense changes on protein structure and function (PolyPhen-2) suggests that this variant¬†is likely to be tolerated. In summary, the available evidence is currently insufficient to determine the role of this variant in disease. Therefore, it has been classified as a Variant of Uncertain Significance.

Illumina Laboratory Services, Illumina
Classification: Uncertain significance for Retinitis pigmentosa. Last evaluated: 2018-01-13. Review status: criteria provided, single submitter. Criteria: ICSL Variant Classification Criteria 13 December 2019. Collection method: clinical testing. Allele origin: germline.